The following is an entry in ClinVar:

NM_018122.5(DARS2):c.1076C>T (p.Ala359Val)

Gene: DARS2 (aspartyl-tRNA synthetase 2, mitochondrial; plus strand). Cytogenetic location: 1q25.1.
Variant type: single nucleotide variant.
Coding change: c.1076C>T on transcript NM_018122.5 (MANE Select); coding-DNA position 1076, C replaced by T.
Protein change: p.Ala359Val; replaces alanine 359 with valine.
Molecular consequence: missense variant.
Genome position (GRCh38, 1-based): chr1:173,840,921, C>T. VCF-style: chr1-173840921-C-T. GRCh37 (hg19) VCF-style: chr1-173810059-C-T.
Other names: c.1076C>T, p.Ala359Val (NM_001365212.1, NM_001365213.2); short protein forms A359V.
Identifiers: ClinVar variation 2108012 (VCV002108012.4), dbSNP rs1270314893, ClinGen allele CA343764242.

ClinVar aggregate classification (germline): Uncertain significance (1 of 4 stars; one submission).

Allele frequency attached by ClinVar (database versions not stated): gnomAD exomes below 0.00001.
gnomAD v4.1: 5 of 1,612,992 alleles (0.00031%); highest among the groups gnomAD compares: Non-Finnish European, 0.00042%; no homozygotes.

Submission:

Labcorp Genetics (formerly Invitae), Labcorp
Classification: Uncertain significance. Last evaluated: 2022-11-08. Review status: criteria provided, single submitter. Criteria: Invitae Variant Classification Sherloc (09022015). Collection method: clinical testing. Allele origin: germline.
Comment: This variant is present in population databases (no rsID available, gnomAD 0.0009%). In summary, the available evidence is currently insufficient to determine the role of this variant in disease. Therefore, it has been classified as a Variant of Uncertain Significance. Algorithms developed to predict the effect of missense changes on protein structure and function output the following: SIFT: "Tolerated"; PolyPhen-2: "Benign"; Align-GVGD: "Class C0". The valine amino acid residue is found in multiple mammalian species, which suggests that this missense change does not adversely affect protein function. This variant has not been reported in the literature in individuals affected with DARS2-related conditions. This sequence change replaces alanine, which is neutral and non-polar, with valine, which is neutral and non-polar, at codon 359 of the DARS2 protein (p.Ala359Val).